The following is an entry in ClinVar:

ClinVar aggregate classification (germline): Uncertain significance (1 of 4 stars; one submission).

Allele frequency attached by ClinVar (database versions not stated): ExAC 0.00001; gnomAD 0.00001; gnomAD exomes 0.00001 and 0.00002.
gnomAD v4.1: 11 of 1,613,574 alleles (0.00068%); highest among the groups gnomAD compares: Non-Finnish European, 0.00093%; no homozygotes.

Submission:

Labcorp Genetics (formerly Invitae), Labcorp
Classification: Uncertain significance. Last evaluated: 2024-02-17. Review status: criteria provided, single submitter. Criteria: Invitae Variant Classification Sherloc (09022015). Collection method: clinical testing. Allele origin: germline.
Comment: This sequence change replaces proline, which is neutral and non-polar, with leucine, which is neutral and non-polar, at codon 33 of the TANGO2 protein (p.Pro33Leu). This variant is present in population databases (rs775278902, gnomAD 0.004%). This variant has not been reported in the literature in individuals affected with TANGO2-related conditions. ClinVar contains an entry for this variant (Variation ID: 1520616). An algorithm developed to predict the effect of missense changes on protein structure and function (PolyPhen-2) suggests that this variant is likely to be tolerated. In summary, the available evidence is currently insufficient to determine the role of this variant in disease. Therefore, it has been classified as a Variant of Uncertain Significance.

NM_152906.7(TANGO2):c.98C>T (p.Pro33Leu)

Gene: TANGO2 (transport and golgi organization 2 homolog; plus strand). Cytogenetic location: 22q11.21.
Variant type: single nucleotide variant.
Coding change: c.98C>T on transcript NM_152906.7 (MANE Select); coding-DNA position 98, C replaced by T.
Protein change: p.Pro33Leu; replaces proline 33 with leucine.
Molecular consequence: missense variant. On other transcripts: 5 prime UTR variant (12), non-coding transcript variant (5).
Genome position (GRCh38, 1-based): chr22:20,043,396, C>T. VCF-style: chr22-20043396-C-T. GRCh37 (hg19) VCF-style: chr22-20030919-C-T.
Other names: c.98C>T, p.Pro33Leu (NM_001283106.3, NM_001283116.3, NM_001283148.3 and 10 more transcripts); c.221C>T, p.Pro74Leu (NM_001283129.3, NM_001283215.3, NM_001322141.2 and 5 more transcripts); c.-82C>T (NM_001283235.3, NM_001322146.2, NM_001322148.2 and 9 more transcripts); short protein forms P33L, P74L.
Identifiers: ClinVar variation 1520616 (VCV001520616.5), dbSNP rs775278902, ClinGen allele CA10106197.